The following is an entry in ClinVar:

ClinVar aggregate classification (germline): Pathogenic (1 of 4 stars; one submission).

Allele frequency attached by ClinVar (database versions not stated): TOPMed below 0.00001.
gnomAD v4.1: 1 of 1,614,176 alleles (0.000062%); highest among the groups gnomAD compares: Non-Finnish European, 0.000085%; no homozygotes.

Submission:

Labcorp Genetics (formerly Invitae), Labcorp
Classification: Pathogenic. Last evaluated: 2023-08-20. Review status: criteria provided, single submitter. Criteria: Invitae Variant Classification Sherloc (09022015). Collection method: clinical testing. Allele origin: germline.
Comment: This variant has not been reported in the literature in individuals affected with RLBP1-related conditions. For these reasons, this variant has been classified as Pathogenic. This variant is not present in population databases (gnomAD no frequency). This sequence change creates a premature translational stop signal (p.Gln169*) in the RLBP1 gene. It is expected to result in an absent or disrupted protein product. Loss-of-function variants in RLBP1 are known to be pathogenic (PMID: 2392416, 11301032, 21447491, 25429852).

Literature cited by the submitters: PubMed 2392416; PubMed 11301032; PubMed 21447491; PubMed 25429852.

NM_000326.5(RLBP1):c.505C>T (p.Gln169Ter)

Gene: RLBP1 (retinaldehyde binding protein 1; minus strand). Cytogenetic location: 15q26.1.
Variant type: single nucleotide variant.
Coding change: c.505C>T on transcript NM_000326.5 (MANE Select); coding-DNA position 505, C replaced by T.
Protein change: p.Gln169Ter; replaces glutamine 169 with a stop codon.
Molecular consequence: nonsense.
Genome position (GRCh38, 1-based): chr15:89,215,080, G>A on the plus strand (C>T on the coding strand, the complement: RLBP1 is on the minus strand). VCF-style: chr15-89215080-G-A. GRCh37 (hg19) VCF-style: chr15-89758311-G-A.
Other names: short protein forms Q169*.
Identifiers: ClinVar variation 2876674 (VCV002876674.3), dbSNP rs1185428793, ClinGen allele CA393729566.